The following is an entry in ClinVar:

NM_000264.5(PTCH1):c.2942T>C (p.Leu981Ser)

Gene: PTCH1 (patched 1; minus strand). Cytogenetic location: 9q22.32.
Variant type: single nucleotide variant.
Coding change: c.2942T>C on transcript NM_000264.5 (MANE Select); coding-DNA position 2942, T replaced by C.
Protein change: p.Leu981Ser; replaces leucine 981 with serine.
Molecular consequence: missense variant. On other transcripts: non-coding transcript variant (1).
Genome position (GRCh38, 1-based): chr9:95,458,239, A>G on the plus strand (T>C on the coding strand, the complement: PTCH1 is on the minus strand). VCF-style: chr9-95458239-A-G. GRCh37 (hg19) VCF-style: chr9-98220521-A-G.
Other names: c.2744T>C, p.Leu915Ser (NM_001083602.3); c.2939T>C, p.Leu980Ser (NM_001083603.3); c.2489T>C, p.Leu830Ser (NM_001083604.3, NM_001083605.3, NM_001083606.3 and 1 more transcripts); c.2786T>C, p.Leu929Ser (NM_001354918.2); short protein forms L830S, L929S, L981S, L915S, L980S.
Identifiers: ClinVar variation 1797935 (VCV001797935.2), dbSNP rs2538069478, ClinGen allele CA374112734.

ClinVar aggregate classification (germline): Uncertain significance (1 of 4 stars; one submission).

Conditions:
Hereditary cancer-predisposing syndrome. Also called: Neoplastic Syndromes, Hereditary; Tumor predisposition; Hereditary Cancer Syndrome; Hereditary neoplastic syndrome. Identifiers: Orphanet 140162, MedGen C0027672, MeSH D009386, MONDO:0015356.

Submission:

Ambry Genetics
Classification: Uncertain significance for Hereditary cancer-predisposing syndrome. Last evaluated: 2022-09-04. Review status: criteria provided, single submitter. Criteria: Ambry Variant Classification Scheme 2023. Collection method: clinical testing. Allele origin: germline.
Comment: The p.L981S variant (also known as c.2942T>C), located in coding exon 18 of the PTCH1 gene, results from a T to C substitution at nucleotide position 2942. The leucine at codon 981 is replaced by serine, an amino acid with dissimilar properties. This amino acid position is conserved. In addition, this alteration is predicted to be deleterious by in silico analysis. Since supporting evidence is limited at this time, the clinical significance of this alteration remains unclear.